The following is an entry in ClinVar:

ClinVar aggregate classification (germline): Uncertain significance (1 of 4 stars; one submission).

Conditions:
Multiple acyl-CoA dehydrogenase deficiency (MADD). Also called: Glutaric aciduria, type 2; Glutaric Acidemia type 2; ETHYLMALONIC-ADIPICACIDURIA; GA II; Glutaric acidemia type II; GA 2. Identifiers: Orphanet 26791, MedGen C0268596, MONDO:0009282, OMIM 231680.

Submission:

Labcorp Genetics (formerly Invitae), Labcorp
Classification: Uncertain significance for Multiple acyl-CoA dehydrogenase deficiency. Last evaluated: 2018-07-16. Review status: criteria provided, single submitter. Criteria: Invitae Variant Classification Sherloc (09022015). Collection method: clinical testing. Allele origin: germline.
Comment: This sequence change replaces serine with arginine at codon 21 of the ETFA protein (p.Ser21Arg). The serine residue is highly conserved and there is a moderate physicochemical difference between serine and arginine. This variant is not present in population databases (ExAC no frequency). This variant has not been reported in the literature in individuals with ETFA-related disease. Algorithms developed to predict the effect of missense changes on protein structure and function (SIFT, PolyPhen-2, Align-GVGD) all suggest that this variant is likely to be disruptive, but these predictions have not been confirmed by published functional studies and their clinical significance is uncertain. In summary, the available evidence is currently insufficient to determine the role of this variant in disease. Therefore, it has been classified as a Variant of Uncertain Significance.

NM_000126.4(ETFA):c.63T>G (p.Ser21Arg)

Gene: ETFA (electron transfer flavoprotein subunit alpha; minus strand). Cytogenetic location: 15q24.2.
Variant type: single nucleotide variant.
Coding change: c.63T>G on transcript NM_000126.4 (MANE Select); coding-DNA position 63, T replaced by G.
Protein change: p.Ser21Arg; replaces serine 21 with arginine.
Molecular consequence: missense variant. On other transcripts: intron variant (1).
Genome position (GRCh38, 1-based): chr15:76,295,714, A>C on the plus strand (T>G on the coding strand, the complement: ETFA is on the minus strand). VCF-style: chr15-76295714-A-C. GRCh37 (hg19) VCF-style: chr15-76588055-A-C.
Other names: c.40-3014T>G (NM_001127716.2); short protein forms S21R.
Identifiers: ClinVar variation 665820 (VCV000665820.9), dbSNP rs1596224387, ClinGen allele CA393518031.